The following is an entry in ClinVar:

ClinVar aggregate classification (germline): Uncertain significance (1 of 4 stars; one submission).

Conditions:
Familial cold autoinflammatory syndrome 3 (FCAS3). Also called: FAMILIAL ATYPICAL COLD URTICARIA; ANTIBODY DEFICIENCY AND IMMUNE DYSREGULATION, PLCG2-ASSOCIATED. Identifiers: Orphanet 300359, MedGen C3280914, MONDO:0013766, OMIM 614468.

Allele frequency attached by ClinVar (database versions not stated): gnomAD exomes below 0.00001; TOPMed below 0.00001; gnomAD 0.00001.
gnomAD v4.1: 5 of 1,609,358 alleles (0.00031%); highest among the groups gnomAD compares: Non-Finnish European, 0.00043%; no homozygotes.

Submission:

Labcorp Genetics (formerly Invitae), Labcorp
Classification: Uncertain significance for Familial cold autoinflammatory syndrome 3. Last evaluated: 2022-10-03. Review status: criteria provided, single submitter. Criteria: Invitae Variant Classification Sherloc (09022015). Collection method: clinical testing. Allele origin: germline.
Comment: In summary, the available evidence is currently insufficient to determine the role of this variant in disease. Therefore, it has been classified as a Variant of Uncertain Significance. This variant has not been reported in the literature in individuals affected with PLCG2-related conditions. This variant is not present in population databases (gnomAD no frequency). This sequence change disrupts the translational stop signal of the PLCG2 mRNA. It is expected to extend the length of the PLCG2 protein by 19 additional amino acid residues.

NM_002661.5(PLCG2):c.3798G>C (p.Ter1266Tyr)

Gene: PLCG2 (phospholipase C gamma 2; plus strand). Cytogenetic location: 16q23.3.
Variant type: single nucleotide variant.
Coding change: c.3798G>C on transcript NM_002661.5 (MANE Select); coding-DNA position 3798, G replaced by C.
Protein change: p.Ter1266Tyr.
Molecular consequence: stop lost.
Genome position (GRCh38, 1-based): chr16:81,957,998, G>C. VCF-style: chr16-81957998-G-C. GRCh37 (hg19) VCF-style: chr16-81991603-G-C.
Identifiers: ClinVar variation 2427856 (VCV002427856.6), dbSNP rs1323851944, ClinGen allele CA396898896.